The following is an entry in ClinVar:

ClinVar aggregate classification (germline): Uncertain significance (1 of 4 stars; one submission).

Conditions:
Neurofibromatosis, type 1 (NF1). Also called: VON RECKLINGHAUSEN DISEASE; Neurofibromatosis, type I; NEUROFIBROMATOSIS, TYPE I, SOMATIC; Peripheral type neurofibromatosis. Identifiers: Orphanet 636, MedGen C0027831, MONDO:0018975, OMIM 162200. Disease mechanism: loss of function.

Submission:

Labcorp Genetics (formerly Invitae), Labcorp
Classification: Uncertain significance for Neurofibromatosis, type 1. Last evaluated: 2025-07-23. Review status: criteria provided, single submitter. Criteria: Invitae Variant Classification Sherloc (09022015). Collection method: clinical testing. Allele origin: germline.
Comment: This sequence change replaces alanine, which is neutral and non-polar, with serine, which is neutral and polar, at codon 3 of the NF1 protein (p.Ala3Ser). This variant is not present in population databases (gnomAD no frequency). This variant has not been reported in the literature in individuals affected with NF1-related conditions. Invitae Evidence Modeling of protein sequence and biophysical properties (such as structural, functional, and spatial information, amino acid conservation, physicochemical variation, residue mobility, and thermodynamic stability) indicates that this missense variant is expected to disrupt NF1 protein function with a positive predictive value of 95%. In summary, the available evidence is currently insufficient to determine the role of this variant in disease. Therefore, it has been classified as a Variant of Uncertain Significance.

NM_001042492.3(NF1):c.7G>T (p.Ala3Ser)

Genes: MIR4733HG (MIR4733 host gene; minus strand), NF1 (neurofibromin 1; plus strand), LOC111811965 (NF1 (neurofibromin 1) promoter region; plus strand). Cytogenetic location: 17q11.2.
Variant type: single nucleotide variant.
Coding change: c.7G>T on transcript NM_001042492.3 (MANE Select); coding-DNA position 7, G replaced by T.
Protein change: p.Ala3Ser; replaces alanine 3 with serine.
Molecular consequence: missense variant. On other transcripts: non-coding transcript variant (1).
Genome position (GRCh38, 1-based): chr17:31,095,316, G>T. VCF-style: chr17-31095316-G-T. GRCh37 (hg19) VCF-style: chr17-29422334-G-T.
Other names: c.7G>T, p.Ala3Ser (NM_000267.4, NM_001128147.3); short protein forms A3S.
Identifiers: ClinVar variation 4800694 (VCV004800694.1).